The following is an entry in ClinVar:

NM_001267550.2(TTN):c.70243A>C (p.Met23415Leu)

Genes: TTN-AS1 (TTN antisense RNA 1; plus strand), TTN (titin; minus strand), LOC126806422 (BRD4-independent group 4 enhancer GRCh37_chr2:179440205-179441404; plus strand). Cytogenetic location: 2q31.2.
Variant type: single nucleotide variant.
Coding change: c.70243A>C on transcript NM_001267550.2 (MANE Select); coding-DNA position 70243, A replaced by C.
Protein change: p.Met23415Leu; replaces methionine 23415 with leucine.
Molecular consequence: missense variant.
Genome position (GRCh38, 1-based): chr2:178,575,889, T>G on the plus strand (A>C on the coding strand, the complement: TTN is on the minus strand). VCF-style: chr2-178575889-T-G. GRCh37 (hg19) VCF-style: chr2-179440616-T-G.
Other names: c.65320A>C, p.Met21774Leu (NM_001256850.1); c.43048A>C, p.Met14350Leu (NM_003319.4); c.62539A>C, p.Met20847Leu (NM_133378.4); c.43423A>C, p.Met14475Leu (NM_133432.3); c.43624A>C, p.Met14542Leu (NM_133437.4); short protein forms M23415L, M14350L, M14475L, M21774L, M14542L, M20847L.
Identifiers: ClinVar variation 405142 (VCV000405142.6), dbSNP rs200029470, ClinGen allele CA1990818.
Genomic context (GRCh38, chr2:178,575,889, plus strand): 5'-TGTCCAAGACTCTGACGTTCACAAAGCCACTTTTCTTCCCAGCCGGGTTTTCAATGGTCA[T>G]GACAAATTTACCGGTATCATATCTGTTACATTCTGGGATAATCAGAAGAGTAAATGATTC-3'
Protein context (NP_001254479.2, residues 23405-23425): CNRYDTGKFV[Met23415Leu]TIENPAGKKS

ClinVar aggregate classification (germline): Uncertain significance. Review status: criteria provided, multiple submitters, no conflicts (2 of 4 stars). 3 submissions from 3 submitters: Uncertain significance (3). Last evaluated 2021-07-12.

Conditions:
Cardiovascular phenotype. Identifiers: MedGen CN230736.
Autosomal recessive limb-girdle muscular dystrophy type 2J (LGMDR10). Also called: MUSCULAR DYSTROPHY, LIMB-GIRDLE, AUTOSOMAL RECESSIVE 10; Limb-girdle muscular dystrophy, type 2J. Identifiers: Orphanet 140922, MedGen C1837342, MONDO:0012127, OMIM 608807.
Dilated cardiomyopathy 1G (CMD1G). Identifiers: Orphanet 154, MedGen C1858763, MONDO:0011400, OMIM 604145.
Myopathy, myofibrillar, 9, with early respiratory failure (MFM9). Also called: Myopathy, distal, with early respiratory failure, autosomal dominant; Hereditary myopathy with early respiratory failure; EDSTROM MYOPATHY; MYOPATHY, PROXIMAL, WITH EARLY RESPIRATORY MUSCLE INVOLVEMENT. Identifiers: Orphanet 178464, Orphanet 34521, MedGen C1863599, MONDO:0011362, OMIM 603689.
Tibial muscular dystrophy (TMD). Also called: UDD MYOPATHY; Tibial muscular dystrophy, tardive; Udd Distal Myopathy – Tibial Muscular Dystrophy. Identifiers: Orphanet 609, MedGen C1838244, MONDO:0010870, OMIM 600334.
Early-onset myopathy with fatal cardiomyopathy (CMYO5). Also called: Salih Myopathy; CONGENITAL MYOPATHY 5 WITH CARDIOMYOPATHY. Identifiers: Orphanet 289377, MedGen C2673677, MONDO:0012714, OMIM 611705. Disease mechanism: loss of function.
Hypertrophic cardiomyopathy 9. Also called: Familial hypertrophic cardiomyopathy 9. Identifiers: MedGen C1861065, MONDO:0013412, OMIM 613765.

Allele frequency attached by ClinVar (database versions not stated): ExAC 0.00001; gnomAD 0.00002 and 0.00001; gnomAD exomes 0.00001; TOPMed 0.00001.
gnomAD v4.1: 17 of 1,613,608 alleles (0.0011%); highest among the groups gnomAD compares: Non-Finnish European, 0.0014%; no homozygotes.

Submissions (3):

Fulgent Genetics
Classification: Uncertain significance for Tibial muscular dystrophy; Myopathy, myofibrillar, 9, with early respiratory failure; Dilated cardiomyopathy 1G; Autosomal recessive limb-girdle muscular dystrophy type 2J; Early-onset myopathy with fatal cardiomyopathy; Hypertrophic cardiomyopathy 9. Last evaluated: 2021-07-12. Review status: criteria provided, single submitter. Criteria: ACMG Guidelines, 2015. Collection method: clinical testing. Allele origin: unknown.

Ambry Genetics
Classification: Uncertain significance for Cardiovascular phenotype. Last evaluated: 2019-01-17. Review status: criteria provided, single submitter. Criteria: Ambry Variant Classification Scheme 2023. Collection method: clinical testing. Allele origin: germline.
Comment: The p.M14350L variant (also known as c.43048A>C), located in coding exon 153 of the TTN gene, results from an A to C substitution at nucleotide position 43048. The methionine at codon 14350 is replaced by leucine, an amino acid with highly similar properties. This amino acid position is not well conserved in available vertebrate species, and leucine is the reference amino acid in other vertebrate species. In addition, this alteration is predicted to be tolerated by in silico analysis. Since supporting evidence is limited at this time, the clinical significance of this alteration remains unclear.

Labcorp Genetics (formerly Invitae), Labcorp
Classification: Uncertain significance for Dilated cardiomyopathy 1G; Autosomal recessive limb-girdle muscular dystrophy type 2J. Last evaluated: 2016-07-21. Review status: criteria provided, single submitter. Criteria: Invitae Variant Classification Sherloc (09022015). Collection method: clinical testing. Allele origin: germline.